The following continues an entry in ClinVar:

NM_000492.4(CFTR):c.358G>A (p.Ala120Thr)

Gene: CFTR. ClinVar aggregate classification (germline): Conflicting classifications of pathogenicity. Pathogenic (2); Likely pathogenic (3); Uncertain significance (15).

Submissions 9 to 23 of 23:

Ambry Genetics
Classification: Uncertain significance for Cystic fibrosis. Last evaluated: 2024-07-02. Review status: criteria provided, single submitter. Criteria: Ambry Variant Classification Scheme 2023. Collection method: clinical testing. Allele origin: germline.
Comment: The p.A120T variant (also known as c.358G>A), located in coding exon 4 of the CFTR gene, results from a G to A substitution at nucleotide position 358. The alanine at codon 120 is replaced by threonine, an amino acid with similar properties. This variant was first described in a child with cystic fibrosis (CF) with elevated sweat chloride levels and pancreatic symptoms; however, a second alteration was not identified (Chill&oacute;n M et al. Hum. Genet., 1994 Apr;93:447-51). This mutation was also detected in an individual with asthma in conjunction with a 5T allele; however, the phase was not provided (Tzetis M et al. Hum. Genet., 2001 Mar;108:216-21). A study of individuals with idiopathic chronic pancreatitis identified one individual with this variant and no other alterations in PRSS1, SPINK1, or CTRC genes (Masson E et al. PLoS ONE, 2013 Aug;8:e73522). This variant was also identified in an individual with congenital bilateral absence of the vas deferens (CBAVD); however, a second alteration was not identified (D&ouml;rk T et al. Hum. Genet., 1997 Sep;100:365-77). The p.A120T variant has been reported as a variant of varying clinical consequences (VVCC) (Sosnay PR et al. Pediatr. Clin. North Am., 2016 08;63:585-98; The Clinical and Functional TRanslation of CFTR (CFTR2); available at CFTR2. Accessed January 15, 2020). This amino acid position is not well conserved in available vertebrate species. In addition, this alteration is predicted to be deleterious by in silico analysis. Based on the available evidence, the clinical significance of this variant remains unclear.

Baylor Genetics
Classification: Likely pathogenic for Bronchiectasis with or without elevated sweat chloride 1. Last evaluated: 2024-03-22. Review status: criteria provided, single submitter. Criteria: ACMG Guidelines, 2015. Collection method: clinical testing. Allele origin: unknown.

Laboratory of Medical Genetics, National & Kapodistrian University of Athens
Classification: Pathogenic for Cystic fibrosis. Last evaluated: 2024-02-01. Review status: criteria provided, single submitter. Criteria: ACMG Guidelines, 2015. Collection method: curation. Allele origin: germline. Affected: no.

CeGaT Center for Human Genetics Tuebingen
Classification: Uncertain significance. Last evaluated: 2023-12-01. Review status: criteria provided, single submitter. Criteria: CeGaT Center For Human Genetics Tuebingen Variant Classification Criteria Version 2. Collection method: clinical testing. Allele origin: germline. Affected: yes. Observed: 2 variant alleles.
Comment: CFTR: PM1, PM2, PM3:Supporting

Clinical Genetics Laboratory, Skane University Hospital Lund
Classification: Uncertain significance. Last evaluated: 2022-09-14. Review status: criteria provided, single submitter. Criteria: ACMG Guidelines, 2015. Collection method: clinical testing. Allele origin: germline. Affected: yes.

ARUP Laboratories, Molecular Genetics and Genomics, ARUP Laboratories
Classification: Uncertain significance. Last evaluated: 2022-07-22. Review status: criteria provided, single submitter. Criteria: ARUP Molecular Germline Variant Investigation Process 2021. Collection method: clinical testing. Allele origin: germline.
Comment: The CFTR c.358G>A; p.Ala120Thr variant (rs201958172) has been observed in individuals with cystic fibrosis (CFTR2 database, Chillon 1994, Jalalirad 2004, Padoan 2002, Radivojevic 2004, Sasihuseyinoglu 2019), pancreatitis (Masson 2013), and congenital bilateral absence of vas deferens (Dork 1997). In several individuals with cystic fibrosis, a second pathogenic variant was also identified (Padoan 2002; Sasihuseyinoglu 2019), but a second variant was not reported in many patients carrying p.Ala120Thr. The p.Ala120Thr variant is reported in ClinVar (Variation ID: 53774). The CFTR2 database describes p.Ala120Thr as having varying clinical consequences and those with cystic fibrosis are likely to be pancreatic sufficient (CFTR2 database). This variant is found in the general population with an overall allele frequency of 0.01% (39/282308 alleles) in the Genome Aggregation Database. The alanine at codon 120 is highly conserved, and computational analyses predict that this variant is deleterious (REVEL: 0.787). However, due to limited information, the clinical significance of this variant is uncertain at this time. References: CFTR2 database: Chillon M et al. Analysis of the CFTR gene confirms the high genetic heterogeneity of the Spanish population: 43 mutations account for only 78% of CF chromosomes. Hum Genet. 1994 Apr;93(4):447-51. PMID: 7513293. Dork T et al. Distinct spectrum of CFTR gene mutations in congenital absence of vas deferens. Hum Genet. 1997 Sep;100(3-4):365-77. PMID: 9272157. Jalalirad M et al. First study of CF mutations in the CFTR gene of Iranian patients: detection of DeltaF508, G542X, W1282X, A120T, R117H, and R347H mutations. J Trop Pediatr. 2004 Dec;50(6):359-61. PMID: 15537723. Masson E et al. A conservative assessment of the major genetic causes of idiopathic chronic pancreatitis: data from a comprehensive analysis of PRSS1, SPINK1, CTRC and CFTR genes in 253 young French patients. PLoS One. 2013 Aug 8;8(8):e73522. PMID: 23951356. Padoan R et al. Genetic and clinical features of false-negative infants in a neonatal screening programme for cystic fibrosis. Acta Paediatr. 2002;91(1):82-7. PMID: 11883825. Radivojevic D et al. Spectrum of cystic fibrosis mutations in Serbia and Montenegro and strategy for prenatal diagnosis. Genet Test. 2004 Fall;8(3):276-80. PMID: 15727251. Sasihuseyinoglu AS et al. Two years of newborn screening for cystic fibrosis in Turkey: Çukurova experience. Turk J Pediatr. 2019;61(4):505-512. PMID: 31990467.

Labcorp Genetics (formerly Invitae), Labcorp
Classification: Uncertain significance for Cystic fibrosis. Last evaluated: 2022-07-06. Review status: criteria provided, single submitter. Criteria: Invitae Variant Classification Sherloc (09022015). Collection method: clinical testing. Allele origin: germline.
Comment: This sequence change replaces alanine, which is neutral and non-polar, with threonine, which is neutral and polar, at codon 120 of the CFTR protein (p.Ala120Thr). This variant is present in population databases (rs201958172, gnomAD 0.04%). This missense change has been observed in individual(s) with cystic fibrosis, congenital absence of the vas deferens or chronic pancreatitis (PMID: 7513293, 7517264, 9272157, 10439967, 18687795, 23951356, 33572515). ClinVar contains an entry for this variant (Variation ID: 53774). Algorithms developed to predict the effect of missense changes on protein structure and function are either unavailable or do not agree on the potential impact of this missense change (SIFT: "Deleterious"; PolyPhen-2: "Possibly Damaging"; Align-GVGD: "Class C0"). In summary, the available evidence is currently insufficient to determine the role of this variant in disease. Therefore, it has been classified as a Variant of Uncertain Significance.

Revvity Omics, Revvity
Classification: Uncertain significance. Last evaluated: 2022-07-01. Review status: criteria provided, single submitter. Criteria: ACMG Guidelines, 2015. Collection method: clinical testing. Allele origin: germline.

Genome-Nilou Lab
Classification: Uncertain significance for Cystic fibrosis. Last evaluated: 2021-07-14. Review status: criteria provided, single submitter. Criteria: ACMG Guidelines, 2015. Collection method: clinical testing. Allele origin: germline. Affected: no.

Dubai Health Genomic Medicine Center, Dubai Health
Classification: Uncertain significance. Last evaluated: 2020-03-19. Review status: criteria provided, single submitter. Criteria: ACMG Guidelines, 2015. Collection method: clinical testing. Allele origin: germline. Affected: yes.
Comment: The p.Ala120Thr variant in CFTR has been previously reported in the heterozygous state in several patients with CF-related disorder (PMID:1553772311354633 9439669 7513293 7517264 9272157) and also in the compound heterozygous state with another rare CFTR variant in one CF patient (PMID:11883825). In addition this variant is found in 4 CF patients in the CFTR2 database and is described as a variant of varying conseqeunces. This variant was also identified in 13/30578 (0.04% 0 homozygotes) South Asian alleles in the Genome Aggregation Database (gnomAD). Several missnese variants affecting nearby amino acids have been reported as pathogenic in CF patients. Computational prediction tools and conservation analysis suggest a possible impact to protein function though this information is not predictive enough to confirm pathogenicity. In summary more information is needed to determine the clinical significance of this variant.

Breakthrough Genomics
Classification: Uncertain significance. Review status: criteria provided, single submitter. Criteria: ACMG Guidelines, 2015. Collection method: not provided. Allele origin: germline. Inheritance: Autosomal recessive inheritance. Affected: yes.

Kariminejad - Najmabadi Pathology & Genetics Center
Classification: Likely pathogenic for Cystic fibrosis. Review status: criteria provided, single submitter. Criteria: ACMG Guidelines, 2015. Collection method: clinical testing. Allele origin: germline. Affected: no.

ClinVar Staff, National Center for Biotechnology Information (NCBI)
No classification provided. Condition: CFTR-related disorders. Review status: no classification provided. Collection method: literature only. Allele origin: germline. Affected: yes. Not counted in ClinVar's aggregate classification.

MAGI's Lab - Research, MAGI Group
Classification: Uncertain significance for Infertility disorder. Review status: no assertion criteria provided. Collection method: provider interpretation. Allele origin: germline. Affected: yes. Not counted in ClinVar's aggregate classification.

Institute of Human Genetics, University of Leipzig Medical Center
Classification: Likely pathogenic for Cystic fibrosis. Last evaluated: 2022-09-05. Review status: flagged submission. Criteria: ACMG Guidelines, 2015. Collection method: curation. Allele origin: unknown. Affected: yes. Observed: 2 variant alleles. Not counted in ClinVar's aggregate classification.
Comment: This variant was identified in 2 unrelated patients with a clinically confirmed diagnosis of cystic fibrosis. The variant was classified in the context of a project re-classifying variants in the German Cystic Fibrosis Registry (Muko.e.V.). Criteria applied: PM2_SUP, PM3, PM5, PP3
ClinVar note: Reason: Outlier claim with insufficient supporting evidence

Literature cited by the submitters: PubMed 9272157 (cited by 6 submitters); PubMed 11354633 (cited by 3 submitters); PubMed 7513293 (cited by 5 submitters); PubMed 17489851 (cited by Women's Health and Genetics/Laboratory Corporation of America, LabCorp and Quest Diagnostics Nichols Institute San Juan Capistrano); PubMed 9439669 (cited by Women's Health and Genetics/Laboratory Corporation of America, LabCorp and Quest Diagnostics Nichols Institute San Juan Capistrano); PubMed 11883825 (cited by 4 submitters); PubMed 7517264 (cited by 4 submitters); PubMed 15727251 (cited by 4 submitters); PubMed 21198395 (cited by Women's Health and Genetics/Laboratory Corporation of America, LabCorp and Quest Diagnostics Nichols Institute San Juan Capistrano); PubMed 15537723 (cited by 4 submitters); PubMed 12752573 (cited by 3 submitters); PubMed 21520337 (cited by 3 submitters); PubMed 19318035 (cited by Women's Health and Genetics/Laboratory Corporation of America, LabCorp); PubMed 10439967 (cited by 4 submitters); PubMed 22427236 (cited by Women's Health and Genetics/Laboratory Corporation of America, LabCorp and Quest Diagnostics Nichols Institute San Juan Capistrano); PubMed 23951356 (cited by 5 submitters); PubMed 28830496 (cited by 3 submitters); PubMed 31916691 (cited by 3 submitters); PubMed 31488014 (cited by Women's Health and Genetics/Laboratory Corporation of America, LabCorp and Quest Diagnostics Nichols Institute San Juan Capistrano); PubMed 31990467 (cited by 4 submitters); PubMed 38388235 (cited by Women's Health and Genetics/Laboratory Corporation of America, LabCorp and Quest Diagnostics Nichols Institute San Juan Capistrano); PubMed 33572515 (cited by 3 submitters); PubMed 18687795 (cited by Dasa and Labcorp Genetics (formerly Invitae), Labcorp); PubMed 32734384 (cited by Quest Diagnostics Nichols Institute San Juan Capistrano); PubMed 35769956 (cited by Quest Diagnostics Nichols Institute San Juan Capistrano); PubMed 33432171 (cited by Quest Diagnostics Nichols Institute San Juan Capistrano); PubMed 33469725 (cited by Quest Diagnostics Nichols Institute San Juan Capistrano); PubMed 34525262 (cited by Quest Diagnostics Nichols Institute San Juan Capistrano); PubMed 35313924 (cited by Quest Diagnostics Nichols Institute San Juan Capistrano); PubMed 36207272 (cited by Quest Diagnostics Nichols Institute San Juan Capistrano); PubMed 37313453 (cited by Quest Diagnostics Nichols Institute San Juan Capistrano); PubMed 11219165 (cited by Quest Diagnostics Nichols Institute San Juan Capistrano); PubMed 34996830 (cited by Quest Diagnostics Nichols Institute San Juan Capistrano); PubMed 36409970 (cited by Quest Diagnostics Nichols Institute San Juan Capistrano).